The following is an entry in ClinVar:

NM_000489.6(ATRX):c.2777G>A (p.Gly926Glu)

Gene: ATRX (ATRX chromatin remodeler; minus strand). Cytogenetic location: Xq21.1.
Variant type: single nucleotide variant.
Coding change: c.2777G>A on transcript NM_000489.6 (MANE Select); coding-DNA position 2777, G replaced by A.
Protein change: p.Gly926Glu; replaces glycine 926 with glutamic acid.
Molecular consequence: missense variant.
Genome position (GRCh38, 1-based): chrX:77,682,479, C>T on the plus strand (G>A on the coding strand, the complement: ATRX is on the minus strand). VCF-style: chrX-77682479-C-T. GRCh37 (hg19) VCF-style: chrX-76937971-C-T.
Other names: c.2663G>A, p.Gly888Glu (NM_138270.5); short protein forms G888E, G926E.
Identifiers: ClinVar variation 1040384 (VCV001040384.8), dbSNP rs2071271385, ClinGen allele CA413710512.

ClinVar aggregate classification (germline): Conflicting classifications of pathogenicity. Review status: criteria provided, conflicting classifications (1 of 4 stars). 2 submissions from 2 submitters: Uncertain significance (1); Likely benign (1). Last evaluated 2022-08-10.

Conditions:
Alpha thalassemia-X-linked intellectual disability syndrome (ATRX). Also called: ALPHA-THALASSEMIA/MENTAL RETARDATION SYNDROME, X-LINKED; ATR, NONDELETION TYPE; ATR-X syndrome; Alpha thalassemia mental retardation syndrome, nondeletion type, X-linked; XLMR hypotonic face syndrome; X-linked alpha-thalassemia-mental retardation syndrome. Identifiers: Orphanet 847, MedGen C1845055, MONDO:0010519, OMIM 301040.

Allele frequency attached by ClinVar (database versions not stated): gnomAD exomes below 0.00001; TOPMed 0.00001.
gnomAD v4.1: 1 of 1,211,424 alleles (0.000083%); highest among the groups gnomAD compares: Non-Finnish European, 0.00011%; no homozygotes.

Submissions (2):

Labcorp Genetics (formerly Invitae), Labcorp
Classification: Uncertain significance for Alpha thalassemia-X-linked intellectual disability syndrome. Last evaluated: 2022-08-10. Review status: criteria provided, single submitter. Criteria: Invitae Variant Classification Sherloc (09022015). Collection method: clinical testing. Allele origin: germline.
Comment: This sequence change replaces glycine, which is neutral and non-polar, with glutamic acid, which is acidic and polar, at codon 926 of the ATRX protein (p.Gly926Glu). This variant is not present in population databases (gnomAD no frequency). This variant has not been reported in the literature in individuals affected with ATRX-related conditions. ClinVar contains an entry for this variant (Variation ID: 1040384). Advanced modeling of protein sequence and biophysical properties (such as structural, functional, and spatial information, amino acid conservation, physicochemical variation, residue mobility, and thermodynamic stability) performed at Invitae indicates that this missense variant is not expected to disrupt ATRX protein function. In summary, the available evidence is currently insufficient to determine the role of this variant in disease. Therefore, it has been classified as a Variant of Uncertain Significance.

GeneDx
Classification: Likely benign. Last evaluated: 2015-03-03. Review status: criteria provided, single submitter. Criteria: GeneDx Variant Classification Process June 2021. Collection method: clinical testing. Allele origin: germline. Affected: yes.